The following is an entry in ClinVar:

ClinVar aggregate classification (germline): Uncertain significance (1 of 4 stars; one submission).

Conditions:
D-2-hydroxyglutaric aciduria 1 (D2HGA1). Identifiers: Orphanet 79315, MedGen C3152055, MONDO:0024554, OMIM 600721.

Allele frequency attached by ClinVar (database versions not stated): ExAC 0.00002; gnomAD 0.00002; TOPMed 0.00002; gnomAD exomes 0.00004.
gnomAD v4.1: 64 of 1,614,118 alleles (0.004%); highest among the groups gnomAD compares: Non-Finnish European, 0.0026%; no homozygotes.

Submission:

Labcorp Genetics (formerly Invitae), Labcorp
Classification: Uncertain significance for D-2-hydroxyglutaric aciduria 1. Last evaluated: 2021-12-02. Review status: criteria provided, single submitter. Criteria: Invitae Variant Classification Sherloc (09022015). Collection method: clinical testing. Allele origin: germline.
Comment: This sequence change replaces tyrosine, which is neutral and polar, with cysteine, which is neutral and slightly polar, at codon 249 of the D2HGDH protein (p.Tyr249Cys). This variant is present in population databases (rs761760267, gnomAD 0.08%). This variant has not been reported in the literature in individuals affected with D2HGDH-related conditions. Algorithms developed to predict the effect of missense changes on protein structure and function (SIFT, PolyPhen-2, Align-GVGD) all suggest that this variant is likely to be disruptive. In summary, the available evidence is currently insufficient to determine the role of this variant in disease. Therefore, it has been classified as a Variant of Uncertain Significance.

NM_152783.5(D2HGDH):c.746A>G (p.Tyr249Cys)

Gene: D2HGDH (D-2-hydroxyglutarate dehydrogenase; plus strand). Cytogenetic location: 2q37.3.
Variant type: single nucleotide variant.
Coding change: c.746A>G on transcript NM_152783.5 (MANE Select); coding-DNA position 746, A replaced by G.
Protein change: p.Tyr249Cys; replaces tyrosine 249 with cysteine.
Molecular consequence: missense variant. On other transcripts: non-coding transcript variant (1).
Genome position (GRCh38, 1-based): chr2:241,744,770, A>G. VCF-style: chr2-241744770-A-G. GRCh37 (hg19) VCF-style: chr2-242684185-A-G.
Other names: c.344A>G, p.Tyr115Cys (NM_001287249.2); c.185A>G, p.Tyr62Cys (NM_001352824.2); short protein forms Y62C, Y249C, Y115C.
Identifiers: ClinVar variation 1397912 (VCV001397912.5), dbSNP rs761760267, ClinGen allele CA2221759.
Genomic context (GRCh38, chr2:241,744,770, plus strand): 5'-TGCTGGCCGACGGCACTGTCCTGGACTGCCTGACCTCCCTGAGGAAGGACAACACGGGCT[A>G]TGACCTGAAGCAGCTGTTCATCGGGTCGGAGGGCACTTTGGGGATCATCACCACGGTGTC-3'
Protein context (NP_689996.4, residues 239-259): LTSLRKDNTG[Tyr249Cys]DLKQLFIGSE